The following is an entry in ClinVar:

ClinVar aggregate classification (germline): Uncertain significance (1 of 4 stars; one submission).

Submission:

GeneDx
Classification: Uncertain significance. Last evaluated: 2025-08-02. Review status: criteria provided, single submitter. Criteria: GeneDx Variant Classification Process June 2021. Collection method: clinical testing. Allele origin: germline. Affected: yes.
Comment: Not observed at significant frequency in large population cohorts (gnomAD); In silico analysis supports that this missense variant has a deleterious effect on protein structure/function; Has not been previously published as pathogenic or benign to our knowledge

NM_001458.5(FLNC):c.4049C>T (p.Pro1350Leu)

Gene: FLNC (filamin C; plus strand). Cytogenetic location: 7q32.1.
Variant type: single nucleotide variant.
Coding change: c.4049C>T on transcript NM_001458.5 (MANE Select); coding-DNA position 4049, C replaced by T.
Protein change: p.Pro1350Leu; replaces proline 1350 with leucine.
Molecular consequence: missense variant.
Genome position (GRCh38, 1-based): chr7:128,846,385, C>T. VCF-style: chr7-128846385-C-T. GRCh37 (hg19) VCF-style: chr7-128486439-C-T.
Other names: c.4049C>T, p.Pro1350Leu (NM_001127487.2); short protein forms P1350L.
Identifiers: ClinVar variation 4689989 (VCV004689989.1).